The following is an entry in ClinVar:

ClinVar aggregate classification (germline): Uncertain significance. Review status: criteria provided, multiple submitters, no conflicts (2 of 4 stars). 2 submissions from 2 submitters: Uncertain significance (2). Last evaluated 2024-04-02.

Allele frequency attached by ClinVar (database versions not stated): ESP Exome Variant Server 0.00008; gnomAD exomes below 0.00001.
gnomAD v4.1: 8 of 1,614,134 alleles (0.0005%); highest among the groups gnomAD compares: African/African-American, 0.0067%; no homozygotes.

Submissions (2):

Women's Health and Genetics/Laboratory Corporation of America, LabCorp
Classification: Uncertain significance. Last evaluated: 2024-04-02. Review status: criteria provided, single submitter. Criteria: LabCorp Variant Classification Summary - May 2015. Collection method: clinical testing. Allele origin: germline.
Comment: Variant summary: SERPINA1 c.497C>A (p.Ala166Asp) results in a non-conservative amino acid change located in the Serpin domain (IPR023796) of the encoded protein sequence. Four of five in-silico tools predict a damaging effect of the variant on protein function. The variant allele was found at a frequency of 4e-06 in 251470 control chromosomes. The available data on variant occurrences in the general population are insufficient to allow any conclusion about variant significance. c.497C>A has been reported in the literature in individuals affected with Alpha-1-Antitrypsin Deficiency (Kuepperts_2019). These data do not allow any conclusion about variant significance. To our knowledge, no experimental evidence demonstrating an impact on protein function has been reported. The following publication have been ascertained in the context of this evaluation (PMID: 31307431).ClinVar contains an entry for this variant (Variation ID: 593650). Based on the evidence outlined above, the variant was classified as uncertain significance.

Eurofins Ntd Llc (ga)
Classification: Uncertain significance. Last evaluated: 2017-09-01. Review status: criteria provided, single submitter. Criteria: EGL Classification Definitions 2015. Collection method: clinical testing. Allele origin: germline. Observed: 1 variant allele, 1 heterozygote.

Literature cited by the submitters: PubMed 31307431 (cited by Women's Health and Genetics/Laboratory Corporation of America, LabCorp).

NM_000295.5(SERPINA1):c.497C>A (p.Ala166Asp)

Gene: SERPINA1 (serpin family A member 1; minus strand). Cytogenetic location: 14q32.13.
Variant type: single nucleotide variant.
Coding change: c.497C>A on transcript NM_000295.5 (MANE Select); coding-DNA position 497, C replaced by A.
Protein change: p.Ala166Asp; replaces alanine 166 with aspartic acid.
Molecular consequence: missense variant.
Genome position (GRCh38, 1-based): chr14:94,382,741, G>T on the plus strand (C>A on the coding strand, the complement: SERPINA1 is on the minus strand). VCF-style: chr14-94382741-G-T. GRCh37 (hg19) VCF-style: chr14-94849078-G-T.
Other names: c.497C>A, p.Ala166Asp (NM_001002235.3, NM_001002236.3, NM_001127700.2 and 7 more transcripts); short protein forms A166D.
Identifiers: ClinVar variation 593650 (VCV000593650.6), dbSNP rs142942004, ClinGen allele CA265864118.